The following is an entry in ClinVar:

NM_000238.4(KCNH2):c.2931_2932insCTGGAGGCCCTTCTCCAGCCCCAGGCCCCCCGGAGAGCCGCCGGGTGGGGAGCCCCTGATGGAGGACTGC (p.Glu978fs)

Gene: KCNH2 (potassium voltage-gated channel subfamily H member 2; minus strand). Cytogenetic location: 7q36.1.
Variant type: Insertion.
Coding change: c.2931_2932insCTGGAGGCCCTTCTCCAGCCCCAGGCCCCCCGGAGAGCCGCCGGGTGGGGAGCCCCTGATGGAGGACTGC on transcript NM_000238.4 (MANE Select); coding-DNA positions 2931 to 2932, CTGGAGGCCCTTCTCCAGCCCCAGGCCCCCCGGAGAGCCGCCGGGTGGGGAGCCCCTGATGGAGGACTGC inserted.
Protein change: p.Glu978fs; shifts the reading frame from glutamic acid 978.
Molecular consequence: frameshift variant.
Genome position: GRCh38: chr7:150,947,703-150,947,704. GRCh37 (hg19): chr7:150,644,791-150,644,792.
Other names: c.1911_1912insCTGGAGGCCCTTCTCCAGCCCCAGGCCCCCCGGAGAGCCGCCGGGTGGGGAGCCCCTGATGGAGGACTGC, p.Glu638fs (NM_172057.3); short protein forms E638fs, E978fs.
Identifiers: ClinVar variation 1073738 (VCV001073738.8), ClinGen allele CA2499218788.

ClinVar aggregate classification (germline): Pathogenic (1 of 4 stars; one submission).

Conditions:
Long QT syndrome (LQTS). Identifiers: MedGen C0023976, MeSH D008133, MONDO:0002442. Disease mechanism: loss of function. Inheritance: Various modes of inheritance.

Submission:

Labcorp Genetics (formerly Invitae), Labcorp
Classification: Pathogenic for Long QT syndrome. Last evaluated: 2020-08-07. Review status: criteria provided, single submitter. Criteria: Invitae Variant Classification Sherloc (09022015). Collection method: clinical testing. Allele origin: germline.
Comment: For these reasons, this variant has been classified as Pathogenic. This variant disrupts the C-terminus of the KCNH2 protein. Other variant(s) that disrupt this region (p.Glu1119*) have been determined to be pathogenic (PMID: 27920829). This suggests that variants that disrupt this region of the protein are likely to be causative of disease. Algorithms developed to predict the effect of sequence changes on RNA splicing suggest that this variant may create or strengthen a splice site, but this prediction has not been confirmed by published transcriptional studies. This variant has been observed in individual(s) with a prolonged QT interval (Invitae). This variant is not present in population databases (ExAC no frequency). This sequence change results in a premature translational stop signal in the KCNH2 gene (p.Glu978Leufs*164). While this is not anticipated to result in nonsense mediated decay, it is expected to disrupt the last 182 amino acids of the KCNH2 protein.

Literature cited by the submitters: PubMed 27920829.